The following is an entry in ClinVar:

ClinVar aggregate classification (germline): Conflicting classifications of pathogenicity. Review status: criteria provided, conflicting classifications (1 of 4 stars). 2 submissions from 2 submitters: Uncertain significance (1); Likely benign (1). Last evaluated 2023-03-31.

Conditions:
Hereditary nonpolyposis colorectal neoplasms. Identifiers: MedGen C0009405, MeSH D003123.
Hereditary cancer-predisposing syndrome. Also called: Hereditary neoplastic syndrome; Neoplastic Syndromes, Hereditary; Hereditary Cancer Syndrome; Tumor predisposition. Identifiers: Orphanet 140162, MedGen C0027672, MeSH D009386, MONDO:0015356.

Allele frequency attached by ClinVar (database versions not stated): gnomAD exomes below 0.00001 and 0.00001; ExAC 0.00001.

Submissions (2):

Ambry Genetics
Classification: Uncertain significance for Hereditary cancer-predisposing syndrome. Last evaluated: 2023-03-31. Review status: criteria provided, single submitter. Criteria: Ambry Variant Classification Scheme 2023. Collection method: clinical testing. Allele origin: germline.
Comment: The p.L1015F variant (also known as c.3045G>C), located in coding exon 4 of the MSH6 gene, results from a G to C substitution at nucleotide position 3045. The leucine at codon 1015 is replaced by phenylalanine, an amino acid with highly similar properties. This amino acid position is not well conserved in available vertebrate species. In addition, this alteration is predicted to be tolerated by in silico analysis. Since supporting evidence is limited at this time, the clinical significance of this alteration remains unclear.

Labcorp Genetics (formerly Invitae), Labcorp
Classification: Likely benign for Hereditary nonpolyposis colorectal neoplasms. Last evaluated: 2022-10-17. Review status: criteria provided, single submitter. Criteria: Invitae Variant Classification Sherloc (09022015). Collection method: clinical testing. Allele origin: germline.

NM_000179.3(MSH6):c.3045G>C (p.Leu1015Phe)

Gene: MSH6 (mutS homolog 6; plus strand). Cytogenetic location: 2p16.3.
Variant type: single nucleotide variant.
Coding change: c.3045G>C on transcript NM_000179.3 (MANE Select); coding-DNA position 3045, G replaced by C.
Protein change: p.Leu1015Phe; replaces leucine 1015 with phenylalanine.
Molecular consequence: missense variant.
Genome position (GRCh38, 1-based): chr2:47,801,028, G>C. VCF-style: chr2-47801028-G-C. GRCh37 (hg19) VCF-style: chr2-48028167-G-C.
Other names: c.2655G>C, p.Leu885Phe (NM_001281492.2); c.2139G>C, p.Leu713Phe (NM_001281493.2, NM_001281494.2); short protein forms L713F, L885F, L1015F.
Identifiers: ClinVar variation 657712 (VCV000657712.13), dbSNP rs761894928, ClinGen allele CA069991.